The following is an entry in ClinVar:

NM_000143.4(FH):c.1389A>G (p.Ile463Met)

Gene: FH (fumarate hydratase; minus strand). Cytogenetic location: 1q43.
Variant type: single nucleotide variant.
Coding change: c.1389A>G on transcript NM_000143.4 (MANE Select); coding-DNA position 1389, A replaced by G.
Protein change: p.Ile463Met; replaces isoleucine 463 with methionine.
Molecular consequence: missense variant.
Genome position (GRCh38, 1-based): chr1:241,500,438, T>C on the plus strand (A>G on the coding strand, the complement: FH is on the minus strand). VCF-style: chr1-241500438-T-C. GRCh37 (hg19) VCF-style: chr1-241663738-T-C.
Other names: short protein forms I463M.
Identifiers: ClinVar variation 231977 (VCV000231977.15), dbSNP rs876659472, ClinGen allele CA10577682.

ClinVar aggregate classification (germline): Uncertain significance. Review status: criteria provided, multiple submitters, no conflicts (2 of 4 stars). 3 submissions from 3 submitters: Uncertain significance (3). Last evaluated 2025-11-12.

Conditions:
Hereditary cancer-predisposing syndrome. Also called: Neoplastic Syndromes, Hereditary; Tumor predisposition; Hereditary Cancer Syndrome; Hereditary neoplastic syndrome. Identifiers: Orphanet 140162, MedGen C0027672, MeSH D009386, MONDO:0015356.

Submissions (3):

Ambry Genetics
Classification: Uncertain significance for Hereditary cancer-predisposing syndrome. Last evaluated: 2025-11-12. Review status: criteria provided, single submitter. Criteria: Ambry Variant Classification Scheme 2023. Collection method: clinical testing. Allele origin: germline.
Comment: The p.I463M variant (also known as c.1389A>G), located in coding exon 9 of the FH gene, results from an A to G substitution at nucleotide position 1389. The isoleucine at codon 463 is replaced by methionine, an amino acid with highly similar properties. This amino acid position is highly conserved in available vertebrate species. In addition, this alteration is predicted to be deleterious by in silico analysis. Based on the available evidence, the clinical significance of this variant remains unclear.

Labcorp Genetics (formerly Invitae), Labcorp
Classification: Uncertain significance. Last evaluated: 2025-01-07. Review status: criteria provided, single submitter. Criteria: Invitae Variant Classification Sherloc (09022015). Collection method: clinical testing. Allele origin: germline.
Comment: This sequence change replaces isoleucine, which is neutral and non-polar, with methionine, which is neutral and non-polar, at codon 463 of the FH protein (p.Ile463Met). This variant is not present in population databases (gnomAD no frequency). This variant has not been reported in the literature in individuals affected with FH-related conditions. ClinVar contains an entry for this variant (Variation ID: 231977). An algorithm developed to predict the effect of missense changes on protein structure and function (PolyPhen-2) suggests that this variant is likely to be disruptive. In summary, the available evidence is currently insufficient to determine the role of this variant in disease. Therefore, it has been classified as a Variant of Uncertain Significance.

Genetic Services Laboratory, University of Chicago
Classification: Uncertain significance. Last evaluated: 2019-12-19. Review status: criteria provided, single submitter. Criteria: ACMG Guidelines, 2015. Collection method: clinical testing. Allele origin: germline. Affected: no.
Comment: DNA sequence analysis of the FH gene demonstrated a sequence change, c.1389A>G, in exon 9 that results in an amino acid change, p.Ile463Met. This sequence change does not appear to have been previously described in patients with FH-related disorders. This sequence change is absent from the large population databases (ExAC and gnomAD). The p.Ile463Met change affects a highly conserved amino acid residue located in a domain of the FH protein that is known to be functional. The p.Ile463Met substitution appears to be deleterious using several in-silico pathogenicity prediction tools (SIFT, PolyPhen2, MutationTaster, REVEL). Due to these evidences and the lack of functional studies, the clinical significance of the p.Ile463Met change remains unknown at this time.